The following is an entry in ClinVar:

ClinVar aggregate classification (germline): Uncertain significance (1 of 4 stars; one submission).

Submission:

GeneDx
Classification: Uncertain significance. Last evaluated: 2024-12-18. Review status: criteria provided, single submitter. Criteria: GeneDx Variant Classification Process June 2021. Collection method: clinical testing. Allele origin: germline. Affected: yes.
Comment: Not observed at significant frequency in large population cohorts (gnomAD); In silico analysis indicates that this missense variant does not alter protein structure/function; Occurs in the triple helical domain at the Y position in the canonical Gly-X-Y repeat; although this variant may have an effect on normal protein folding and function, missense substitution at the Y position is not a common mechanism of disease; Has not been previously published as pathogenic or benign to our knowledge

NM_001845.6(COL4A1):c.2722C>G (p.His908Asp)

Gene: COL4A1 (collagen type IV alpha 1 chain; minus strand). Cytogenetic location: 13q34.
Variant type: single nucleotide variant.
Coding change: c.2722C>G on transcript NM_001845.6 (MANE Select); coding-DNA position 2722, C replaced by G.
Protein change: p.His908Asp; replaces histidine 908 with aspartic acid.
Molecular consequence: missense variant.
Genome position (GRCh38, 1-based): chr13:110,177,032, G>C on the plus strand (C>G on the coding strand, the complement: COL4A1 is on the minus strand). VCF-style: chr13-110177032-G-C. GRCh37 (hg19) VCF-style: chr13-110829379-G-C.
Other names: short protein forms H908D.
Identifiers: ClinVar variation 3906706 (VCV003906706.1).